The following is an entry in ClinVar:

NM_006648.4(WNK2):c.379G>T (p.Asp127Tyr)

Gene: WNK2 (WNK lysine deficient protein kinase 2; plus strand). Cytogenetic location: 9q22.31.
Variant type: single nucleotide variant.
Coding change: c.379G>T on transcript NM_006648.4 (MANE Select); coding-DNA position 379, G replaced by T.
Protein change: p.Asp127Tyr; replaces aspartic acid 127 with tyrosine.
Molecular consequence: missense variant.
Genome position (GRCh38, 1-based): chr9:93,185,308, G>T. VCF-style: chr9-93185308-G-T. GRCh37 (hg19) VCF-style: chr9-95947590-G-T.
Other names: c.379G>T, p.Asp127Tyr (NM_001282394.3); short protein forms D127Y.
Identifiers: ClinVar variation 4866524 (VCV004866524.1).

ClinVar aggregate classification (germline): Uncertain significance (1 of 4 stars; one submission).

Submission:

Ambry Genetics
Classification: Uncertain significance. Last evaluated: 2026-03-18. Review status: criteria provided, single submitter. Criteria: Ambry Variant Classification Scheme 2023. Collection method: clinical testing. Allele origin: germline.
Comment: The p.D127Y variant (also known as c.379G>T), located in coding exon 1 of the WNK2 gene, results from a G to T substitution at nucleotide position 379. The aspartic acid at codon 127 is replaced by tyrosine, an amino acid with highly dissimilar properties. This amino acid position is conserved. In addition, this alteration is predicted to be tolerated by in silico analysis. Based on the available evidence, the clinical significance of this variant remains unclear.